The following is an entry in ClinVar:

NM_032482.3(DOT1L):c.4497C>T (p.Ser1499=)

Gene: DOT1L (DOT1 like histone lysine methyltransferase; plus strand). Cytogenetic location: 19p13.3.
Variant type: single nucleotide variant.
Coding change: c.4497C>T on transcript NM_032482.3 (MANE Select); coding-DNA position 4497, C replaced by T.
Protein change: p.Ser1499=; no amino-acid change (serine 1499 retained).
Molecular consequence: synonymous variant.
Genome position (GRCh38, 1-based): chr19:2,227,018, C>T. VCF-style: chr19-2227018-C-T. GRCh37 (hg19) VCF-style: chr19-2227017-C-T.
Other names: c.4497C>T, p.Ser1499= (NM_001411141.1).
Identifiers: ClinVar variation 3905493 (VCV003905493.10).

ClinVar aggregate classification (germline): Likely benign (1 of 4 stars; one submission).

gnomAD v4.1: 18 of 1,589,082 alleles (0.0011%); highest among the groups gnomAD compares: Middle Eastern, 0.017%; no homozygotes.

Submission:

CeGaT Center for Human Genetics Tuebingen
Classification: Likely benign. Last evaluated: 2025-05-01. Review status: criteria provided, single submitter. Criteria: CeGaT Center For Human Genetics Tuebingen Variant Classification Criteria Version 2. Collection method: clinical testing. Allele origin: germline. Affected: yes. Observed: 1 variant allele.
Comment: DOT1L: BP4, BP7